The following is an entry in ClinVar:

NM_000051.4(ATM):c.1466G>A (p.Cys489Tyr)

Gene: ATM (ATM serine/threonine kinase; plus strand). Cytogenetic location: 11q22.3.
Variant type: single nucleotide variant.
Coding change: c.1466G>A on transcript NM_000051.4 (MANE Select); coding-DNA position 1466, G replaced by A.
Protein change: p.Cys489Tyr; replaces cysteine 489 with tyrosine.
Molecular consequence: missense variant.
Genome position (GRCh38, 1-based): chr11:108,250,931, G>A. VCF-style: chr11-108250931-G-A. GRCh37 (hg19) VCF-style: chr11-108121658-G-A.
Other names: c.1466G>A, p.Cys489Tyr (NM_001351834.2); short protein forms C489Y.
Identifiers: ClinVar variation 3690504 (VCV003690504.2).

ClinVar aggregate classification (germline): Uncertain significance (1 of 4 stars; one submission).

Conditions:
Ataxia-telangiectasia syndrome (AT). Also called: Ataxia telangiectasia (A-T); LOUIS-BAR SYNDROME; Cerebello-oculocutaneous telangiectasia; Immunodeficiency with ataxia telangiectasia; Ataxia-telangiectasia, complementation group E; Ataxia-telangiectasia. Identifiers: Orphanet 100, MedGen C0004135, MONDO:0008840, OMIM 208900.

gnomAD v4.1: 2 of 1,614,150 alleles (0.00012%); highest among the groups gnomAD compares: Non-Finnish European, 0.000085%; no homozygotes.

Submission:

Labcorp Genetics (formerly Invitae), Labcorp
Classification: Uncertain significance for Ataxia-telangiectasia syndrome. Last evaluated: 2024-04-11. Review status: criteria provided, single submitter. Criteria: Invitae Variant Classification Sherloc (09022015). Collection method: clinical testing. Allele origin: germline.
Comment: This sequence change replaces cysteine, which is neutral and slightly polar, with tyrosine, which is neutral and polar, at codon 489 of the ATM protein (p.Cys489Tyr). This variant is present in population databases (no rsID available, gnomAD 0.004%). This variant has not been reported in the literature in individuals affected with ATM-related conditions. An algorithm developed to predict the effect of missense changes on protein structure and function (PolyPhen-2) suggests that this variant is likely to be tolerated. In summary, the available evidence is currently insufficient to determine the role of this variant in disease. Therefore, it has been classified as a Variant of Uncertain Significance.